The following is an entry in ClinVar:

NM_018026.4(PACS1):c.2690A>G (p.Glu897Gly)

Gene: PACS1 (phosphofurin acidic cluster sorting protein 1; plus strand). Cytogenetic location: 11q13.2.
Variant type: single nucleotide variant.
Coding change: c.2690A>G on transcript NM_018026.4 (MANE Select); coding-DNA position 2690, A replaced by G.
Protein change: p.Glu897Gly; replaces glutamic acid 897 with glycine.
Molecular consequence: missense variant.
Genome position (GRCh38, 1-based): chr11:66,242,945, A>G. VCF-style: chr11-66242945-A-G. GRCh37 (hg19) VCF-style: chr11-66010416-A-G.
Other names: short protein forms E897G.
Identifiers: ClinVar variation 2571837 (VCV002571837.2), dbSNP rs2495611350, ClinGen allele CA381383999.

ClinVar aggregate classification (germline): Likely pathogenic (1 of 4 stars; one submission).

Submission:

GeneDx
Classification: Likely pathogenic. Last evaluated: 2023-10-23. Review status: criteria provided, single submitter. Criteria: GeneDx Variant Classification Process June 2021. Collection method: clinical testing. Allele origin: germline. Affected: yes.
Comment: Not observed at significant frequency in large population cohorts (gnomAD); In silico analysis supports that this missense variant has a deleterious effect on protein structure/function; Has not been previously published as pathogenic or benign to our knowledge